The following is an entry in ClinVar:

ClinVar aggregate classification (germline): Uncertain significance. Review status: criteria provided, multiple submitters, no conflicts (2 of 4 stars). 2 submissions from 2 submitters: Uncertain significance (2). Last evaluated 2024-11-25.

Conditions:
Inborn genetic diseases. Identifiers: MedGen C0950123, MeSH D030342.

Submissions (2):

Ambry Genetics
Classification: Uncertain significance for Inborn genetic diseases. Last evaluated: 2024-11-25. Review status: criteria provided, single submitter. Criteria: Ambry Variant Classification Scheme 2023. Collection method: clinical testing. Allele origin: germline.

Labcorp Genetics (formerly Invitae), Labcorp
Classification: Uncertain significance. Last evaluated: 2023-03-10. Review status: criteria provided, single submitter. Criteria: Invitae Variant Classification Sherloc (09022015). Collection method: clinical testing. Allele origin: germline.
Comment: This sequence change replaces methionine, which is neutral and non-polar, with valine, which is neutral and non-polar, at codon 570 of the ARID1B protein (p.Met570Val). This variant is not present in population databases (gnomAD no frequency). This variant has not been reported in the literature in individuals affected with ARID1B-related conditions. Advanced modeling of protein sequence and biophysical properties (such as structural, functional, and spatial information, amino acid conservation, physicochemical variation, residue mobility, and thermodynamic stability) performed at Invitae indicates that this missense variant is not expected to disrupt ARID1B protein function. In summary, the available evidence is currently insufficient to determine the role of this variant in disease. Therefore, it has been classified as a Variant of Uncertain Significance.

NM_001374828.1(ARID1B):c.1957A>G (p.Met653Val)

Gene: ARID1B (AT-rich interaction domain 1B; plus strand). Cytogenetic location: 6q25.3.
Variant type: single nucleotide variant.
Coding change: c.1957A>G on transcript NM_001374828.1 (MANE Select); coding-DNA position 1957, A replaced by G.
Protein change: p.Met653Val; replaces methionine 653 with valine.
Molecular consequence: missense variant.
Genome position (GRCh38, 1-based): chr6:156,829,392, A>G. VCF-style: chr6-156829392-A-G. GRCh37 (hg19) VCF-style: chr6-157150526-A-G.
Other names: c.1708A>G, p.Met570Val (NM_001346813.1, NM_020732.3); c.1957A>G, p.Met653Val (NM_001371656.1, NM_001374820.1, NM_017519.3); c.1534A>G, p.Met512Val (NM_175863.2); short protein forms M570V, M653V, M512V.
Identifiers: ClinVar variation 2797952 (VCV002797952.4), dbSNP rs2128047054, ClinGen allele CA366384629.